The following is an entry in ClinVar:

NM_201384.3(PLEC):c.1516G>A (p.Val506Met)

Gene: PLEC (plectin; minus strand). Cytogenetic location: 8q24.3.
Variant type: single nucleotide variant.
Coding change: c.1516G>A on transcript NM_201384.3 (MANE Select); coding-DNA position 1516, G replaced by A.
Protein change: p.Val506Met; replaces valine 506 with methionine.
Molecular consequence: missense variant.
Genome position (GRCh38, 1-based): chr8:143,933,014, C>T on the plus strand (G>A on the coding strand, the complement: PLEC is on the minus strand). VCF-style: chr8-143933014-C-T. GRCh37 (hg19) VCF-style: chr8-145007182-C-T.
Other names: c.1597G>A, p.Val533Met (NM_000445.5, NM_001410941.1); c.1474G>A, p.Val492Met (NM_201378.4); c.1450G>A, p.Val484Met (NM_201379.3); c.1927G>A, p.Val643Met (NM_201380.4); c.1420G>A, p.Val474Met (NM_201381.3); c.1516G>A, p.Val506Met (NM_201382.4); c.1528G>A, p.Val510Met (NM_201383.3); short protein forms V474M, V492M, V506M, V643M, V484M, V510M, V533M.
Identifiers: ClinVar variation 4791608 (VCV004791608.1).

ClinVar aggregate classification (germline): Uncertain significance (1 of 4 stars; one submission).

Conditions:
Epidermolysis bullosa simplex with nail dystrophy (EBS5D). Identifiers: MedGen C4225309, MONDO:0014661, OMIM 616487.
Epidermolysis bullosa simplex, Ogna type (EBS5A). Also called: EPIDERMOLYSIS BULLOSA SIMPLEX 5A, OGNA TYPE; Pidermolysis bullosa simplex 5A, Ogna type. Identifiers: Orphanet 79401, MedGen C0432317, MONDO:0007555, OMIM 131950.
Autosomal recessive limb-girdle muscular dystrophy type 2Q (LGMDR17). Also called: MUSCULAR DYSTROPHY, LIMB-GIRDLE, AUTOSOMAL RECESSIVE 17. Identifiers: Orphanet 254361, MedGen C3150989, MONDO:0013390, OMIM 613723.
Epidermolysis bullosa simplex 5B, with muscular dystrophy (EBS5B). Also called: EPIDERMOLYSIS BULLOSA SIMPLEX AND LIMB-GIRDLE MUSCULAR DYSTROPHY; Epidermolysis bullosa simplex with muscular dystrophy. Identifiers: Orphanet 257, MedGen C2931072, MONDO:0009181, OMIM 226670.
Epidermolysis bullosa simplex 5C, with pyloric atresia (EBS5C). Also called: PLEC-Related Epidermolysis Bullosa with Pyloric Atresia; Epidermolysis bullosa simplex with pyloric atresia; PLEC1-Related Epidermolysis Bullosa with Pyloric Atresia. Identifiers: Orphanet 158684, MedGen C2677349, MONDO:0012807, OMIM 612138.

gnomAD v4.1: 2 of 1,603,642 alleles (0.00012%); highest among the groups gnomAD compares: Non-Finnish European, 0.00017%; no homozygotes.

Submission:

Labcorp Genetics (formerly Invitae), Labcorp
Classification: Uncertain significance for Autosomal recessive limb-girdle muscular dystrophy type 2Q; Epidermolysis bullosa simplex, Ogna type; Epidermolysis bullosa simplex with nail dystrophy; Epidermolysis bullosa simplex 5C, with pyloric atresia; Epidermolysis bullosa simplex 5B, with muscular dystrophy. Last evaluated: 2025-07-22. Review status: criteria provided, single submitter. Criteria: Invitae Variant Classification Sherloc (09022015). Collection method: clinical testing. Allele origin: germline.
Comment: This sequence change replaces valine, which is neutral and non-polar, with methionine, which is neutral and non-polar, at codon 533 of the PLEC protein (p.Val533Met). The frequency data for this variant in the population databases is considered unreliable, as metrics indicate poor data quality at this position in the gnomAD database. This variant has not been reported in the literature in individuals affected with PLEC-related conditions. Experimental studies and prediction algorithms are not available or were not evaluated, and the functional significance of this variant is currently unknown. In summary, the available evidence is currently insufficient to determine the role of this variant in disease. Therefore, it has been classified as a Variant of Uncertain Significance.